The following is an entry in ClinVar:

NM_000071.3(CBS):c.938C>T (p.Thr313Met)

Gene: CBS (cystathionine beta-synthase; minus strand). Cytogenetic location: 21q22.3.
Variant type: single nucleotide variant.
Coding change: c.938C>T on transcript NM_000071.3 (MANE Select); coding-DNA position 938, C replaced by T.
Protein change: p.Thr313Met; replaces threonine 313 with methionine.
Molecular consequence: missense variant.
Genome position (GRCh38, 1-based): chr21:43,062,969, G>A on the plus strand (C>T on the coding strand, the complement: CBS is on the minus strand). VCF-style: chr21-43062969-G-A. GRCh37 (hg19) VCF-style: chr21-44483079-G-A.
Other names: c.938C>T, p.Thr313Met (NM_001178008.3, NM_001178009.3, NM_001320298.2); c.623C>T, p.Thr208Met (NM_001321072.1); short protein forms T313M, T208M.
Identifiers: ClinVar variation 2194931 (VCV002194931.1), dbSNP rs774557878, ClinGen allele CA321091293.

ClinVar aggregate classification (germline): Uncertain significance (1 of 4 stars; one submission).

Conditions:
HYPERHOMOCYSTEINEMIA, THROMBOTIC, CBS-RELATED. Identifiers: MedGen C3150344, OMIM 236200.

Allele frequency attached by ClinVar (database versions not stated): ExAC 0.00009.

Submission:

Labcorp Genetics (formerly Invitae), Labcorp
Classification: Uncertain significance for HYPERHOMOCYSTEINEMIA, THROMBOTIC, CBS-RELATED. Last evaluated: 2022-07-05. Review status: criteria provided, single submitter. Criteria: Invitae Variant Classification Sherloc (09022015). Collection method: clinical testing. Allele origin: germline.
Comment: This sequence change replaces threonine, which is neutral and polar, with methionine, which is neutral and non-polar, at codon 313 of the CBS protein (p.Thr313Met). This variant is present in population databases (rs774557878, gnomAD 0.03%). This variant has not been reported in the literature in individuals affected with CBS-related conditions. Algorithms developed to predict the effect of missense changes on protein structure and function are either unavailable or do not agree on the potential impact of this missense change (SIFT: "Deleterious"; PolyPhen-2: "Possibly Damaging"; Align-GVGD: "Class C0"). In summary, the available evidence is currently insufficient to determine the role of this variant in disease. Therefore, it has been classified as a Variant of Uncertain Significance.